The following is an entry in ClinVar:

ClinVar aggregate classification (germline): Uncertain significance (1 of 4 stars; one submission).

Conditions:
Hereditary cancer-predisposing syndrome. Also called: Neoplastic Syndromes, Hereditary; Tumor predisposition; Hereditary neoplastic syndrome; Hereditary Cancer Syndrome. Identifiers: Orphanet 140162, MedGen C0027672, MeSH D009386, MONDO:0015356.

Submission:

Ambry Genetics
Classification: Uncertain significance for Hereditary cancer-predisposing syndrome. Last evaluated: 2026-08-31. Review status: criteria provided, single submitter. Criteria: Ambry Variant Classification Scheme 2023. Collection method: clinical testing. Allele origin: germline.
Comment: The p.K518Q variant (also known as c.1552A>C), located in coding exon 11 of the BMPR1A gene, results from an A to C substitution at nucleotide position 1552. The lysine at codon 518 is replaced by glutamine, an amino acid with similar properties. This amino acid position is conserved. In addition, this alteration is predicted to be deleterious by in silico analysis. Based on the available evidence, the clinical significance of this variant remains unclear.

NM_004329.3(BMPR1A):c.1552A>C (p.Lys518Gln)

Gene: BMPR1A (bone morphogenetic protein receptor type 1A; plus strand). Cytogenetic location: 10q23.2.
Variant type: single nucleotide variant.
Coding change: c.1552A>C on transcript NM_004329.3 (MANE Select); coding-DNA position 1552, A replaced by C.
Protein change: p.Lys518Gln; replaces lysine 518 with glutamine.
Molecular consequence: missense variant. On other transcripts: non-coding transcript variant (3).
Genome position (GRCh38, 1-based): chr10:86,923,672, A>C. VCF-style: chr10-86923672-A-C. GRCh37 (hg19) VCF-style: chr10-88683429-A-C.
Other names: c.1627A>C, p.Lys543Gln (NM_001406559.1); c.1600A>C, p.Lys534Gln (NM_001406560.1); c.1552A>C, p.Lys518Gln (NM_001406561.1, NM_001406562.1, NM_001406563.1 and 19 more transcripts); c.1546A>C, p.Lys516Gln (NM_001406583.1); c.1468A>C, p.Lys490Gln (NM_001406584.1, NM_001406585.1, NM_001406586.1 and 2 more transcripts); c.1210A>C, p.Lys404Gln (NM_001406589.1); short protein forms K516Q, K490Q, K534Q, K543Q, K404Q, K518Q.
Identifiers: ClinVar variation 5033048 (VCV005033048.1).